The following is an entry in ClinVar:

ClinVar aggregate classification (germline): Likely benign (1 of 4 stars; one submission).

gnomAD v4.1: 1 of 1,609,966 alleles (0.000062%); highest among the groups gnomAD compares: Non-Finnish European, 0.000085%; no homozygotes.

Submission:

CeGaT Center for Human Genetics Tuebingen
Classification: Likely benign. Last evaluated: 2022-07-01. Review status: criteria provided, single submitter. Criteria: CeGaT Center For Human Genetics Tuebingen Variant Classification Criteria Version 2. Collection method: clinical testing. Allele origin: germline. Affected: yes. Observed: 1 variant allele.
Comment: DST: PM2:Supporting, BP4, BP7

NM_001374736.1(DST):c.10206A>G (p.Ala3402=)

Gene: DST (dystonin; minus strand). Cytogenetic location: 6p12.1.
Variant type: single nucleotide variant.
Coding change: c.10206A>G on transcript NM_001374736.1 (MANE Select); coding-DNA position 10206, A replaced by G.
Protein change: p.Ala3402=; no amino-acid change (alanine 3402 retained).
Molecular consequence: synonymous variant. On other transcripts: intron variant (6).
Genome position (GRCh38, 1-based): chr6:56,604,422, T>C on the plus strand (A>G on the coding strand, the complement: DST is on the minus strand). VCF-style: chr6-56604422-T-C. GRCh37 (hg19) VCF-style: chr6-56469220-T-C.
Other names: c.10206A>G, p.Ala3402= (NM_001374722.1); c.9573A>G, p.Ala3191= (NM_001374729.1); c.10233A>G, p.Ala3411= (NM_001374734.1); c.5185-4201A>G (NM_001144769.5); c.4771-4201A>G (NM_001144770.2); c.4651-4201A>G (NM_001374730.1, NM_001386100.1, NM_183380.4); c.3673-4201A>G (NM_015548.5).
Identifiers: ClinVar variation 2656666 (VCV002656666.24), dbSNP rs2536370132, ClinGen allele CA2679213484.
Genomic context (GRCh38, chr6:56,604,422, plus strand): 5'-GTTAGTCATGGGGGAAACTCCAGAAGAGTCACTCATTTGAGAGTCGCTGGGCACAGTAGA[T>C]GCCTCATTTACCAACTGTGATGTGGTAATCCTTTTAATTAAATTTTGAATTAAAATTTTA-3'
Protein context (NP_001361665.1, residues 3392-3412): RITTSQLVNE[Ala3402=]STVPSDSQMS